The following is an entry in ClinVar:

ClinVar aggregate classification (germline): Uncertain significance. Review status: criteria provided, multiple submitters, no conflicts (2 of 4 stars). 9 submissions from 6 submitters: Uncertain significance (9). Last evaluated 2025-10-03.

Conditions:
Hypokalemic periodic paralysis, type 1. Also called: Hypokalemic Periodic Paralysis Type 1 (AD); HypoPP. Identifiers: Orphanet 681, MedGen C3714580, MONDO:0042979, OMIM 170400.
Congenital myopathy 18. Also called: Myopathy, congenital, due to dihydropyridine receptor defect; DIHYDROPYRIDINE RECEPTOR CONGENITAL MYOPATHY; DHPR CONGENITAL MYOPATHY. Identifiers: MedGen C5830283, MONDO:0859514, OMIM 620246.
Inborn genetic diseases. Identifiers: MedGen C0950123, MeSH D030342.
Thyrotoxic periodic paralysis, susceptibility to, 1 (TTPP1). Identifiers: Orphanet 79102, MedGen C2749982, MONDO:0008570, OMIM 188580.
Malignant hyperthermia, susceptibility to, 5 (MHS5). Also called: CACNA1S-Related Malignant Hyperthermia Susceptibility. Identifiers: Orphanet 423, MedGen C1866077, MONDO:0011163, OMIM 601887.

gnomAD v4.1: 16 of 1,614,044 alleles (0.00099%); highest among the groups gnomAD compares: Admixed American, 0.005%; no homozygotes.

Submissions (9):

Color Diagnostics, LLC DBA Color Health
Classification: Uncertain significance for Malignant hyperthermia, susceptibility to, 5. Last evaluated: 2025-10-03. Review status: criteria provided, single submitter. Criteria: ACMG Guidelines, 2015. Collection method: clinical testing. Allele origin: germline.
Comment: This missense variant replaces arginine with leucine at codon 1539 of the CACNA1S protein. Computational prediction is inconclusive regarding the impact of this variant on protein structure and function. To our knowledge, functional studies have not been reported for this variant. This variant has not been reported in individuals affected with CACNA1S-related disorders in the literature. This variant has been identified in 2/251488 chromosomes in the general population by the Genome Aggregation Database (gnomAD). The available evidence is insufficient to determine the role of this variant in disease conclusively. Therefore, this variant is classified as a Variant of Uncertain Significance.

Ambry Genetics
Classification: Uncertain significance for Inborn genetic diseases. Last evaluated: 2025-08-24. Review status: criteria provided, single submitter. Criteria: Ambry Variant Classification Scheme 2023. Collection method: clinical testing. Allele origin: germline.

All of Us Research Program, National Institutes of Health
Classification: Uncertain significance for Malignant hyperthermia, susceptibility to, 5. Last evaluated: 2023-12-01. Review status: criteria provided, single submitter. Criteria: ACMG Guidelines, 2015. Collection method: clinical testing. Allele origin: germline. Inheritance: Autosomal dominant inheritance. Observed: 2 variant alleles, 2 heterozygotes.
Comment: This missense variant replaces arginine with leucine at codon 1539 of the CACNA1S protein. Computational prediction is inconclusive regarding the impact of this variant on protein structure and function (internally defined REVEL score threshold 0.5 < inconclusive < 0.7, PMID: 27666373). To our knowledge, functional studies have not been reported for this variant. This variant has not been reported in individuals affected with CACNA1S-related disorders in the literature. This variant has been identified in 2/251488 chromosomes in the general population by the Genome Aggregation Database (gnomAD). The available evidence is insufficient to determine the role of this variant in disease conclusively. Therefore, this variant is classified as a Variant of Uncertain Significance.

This study involves interpretation of variants in research participants for the purpose of population health screening. Participant phenotype was not available at the time of variant classification. Additional details can be found in publication PMID: 35346344, PMCID: PMC8962531

Genome-Nilou Lab
Classification: Uncertain significance for Malignant hyperthermia, susceptibility to, 5. Last evaluated: 2023-04-11. Review status: criteria provided, single submitter. Criteria: ACMG Guidelines, 2015. Collection method: clinical testing. Allele origin: germline. Affected: no.

Genome-Nilou Lab
Classification: Uncertain significance for Thyrotoxic periodic paralysis, susceptibility to, 1. Last evaluated: 2023-04-11. Review status: criteria provided, single submitter. Criteria: ACMG Guidelines, 2015. Collection method: clinical testing. Allele origin: germline. Affected: no.

Genome-Nilou Lab
Classification: Uncertain significance for Congenital myopathy 18. Last evaluated: 2023-04-11. Review status: criteria provided, single submitter. Criteria: ACMG Guidelines, 2015. Collection method: clinical testing. Allele origin: germline. Affected: no.

Genome-Nilou Lab
Classification: Uncertain significance for Hypokalemic periodic paralysis, type 1. Last evaluated: 2023-04-11. Review status: criteria provided, single submitter. Criteria: ACMG Guidelines, 2015. Collection method: clinical testing. Allele origin: germline. Affected: no.

Revvity Omics, Revvity
Classification: Uncertain significance. Last evaluated: 2022-06-22. Review status: criteria provided, single submitter. Criteria: ACMG Guidelines, 2015. Collection method: clinical testing. Allele origin: germline.

GeneDx
Classification: Uncertain significance. Last evaluated: 2020-01-30. Review status: criteria provided, single submitter. Criteria: GeneDx Variant Classification Process June 2021. Collection method: clinical testing. Allele origin: germline. Affected: yes.
Comment: In silico analysis, which includes protein predictors and evolutionary conservation, supports a deleterious effect; Has not been previously published as pathogenic or benign to our knowledge

NM_000069.3(CACNA1S):c.4616G>T (p.Arg1539Leu)

Gene: CACNA1S (calcium voltage-gated channel subunit alpha1 S; minus strand). Cytogenetic location: 1q32.1.
Variant type: single nucleotide variant.
Coding change: c.4616G>T on transcript NM_000069.3 (MANE Select); coding-DNA position 4616, G replaced by T.
Protein change: p.Arg1539Leu; replaces arginine 1539 with leucine.
Molecular consequence: missense variant.
Genome position (GRCh38, 1-based): chr1:201,047,167, C>A on the plus strand (G>T on the coding strand, the complement: CACNA1S is on the minus strand). VCF-style: chr1-201047167-C-A. GRCh37 (hg19) VCF-style: chr1-201016295-C-A.
Other names: short protein forms R1539L.
Identifiers: ClinVar variation 1320407 (VCV001320407.8), dbSNP rs774256022, ClinGen allele CA344141899.